The following is an entry in ClinVar:

ClinVar aggregate classification (germline): Conflicting classifications of pathogenicity. Review status: criteria provided, conflicting classifications (1 of 4 stars). 2 submissions from 2 submitters: Uncertain significance (1); Likely benign (1). Last evaluated 2025-08-06.

Conditions:
Inborn genetic diseases. Identifiers: MedGen C0950123, MeSH D030342.

Allele frequency attached by ClinVar (database versions not stated): gnomAD exomes below 0.00001; ExAC 0.00001.
gnomAD v4.1: 4 of 1,612,958 alleles (0.00025%); highest among the groups gnomAD compares: Middle Eastern, 0.016%; no homozygotes.

Submissions (2):

Ambry Genetics
Classification: Likely benign for Inborn genetic diseases. Last evaluated: 2025-08-06. Review status: criteria provided, single submitter. Criteria: Ambry Variant Classification Scheme 2023. Collection method: clinical testing. Allele origin: germline.

Labcorp Genetics (formerly Invitae), Labcorp
Classification: Uncertain significance. Last evaluated: 2022-07-30. Review status: criteria provided, single submitter. Criteria: Invitae Variant Classification Sherloc (09022015). Collection method: clinical testing. Allele origin: germline.
Comment: This sequence change replaces threonine, which is neutral and polar, with alanine, which is neutral and non-polar, at codon 259 of the COL27A1 protein (p.Thr259Ala). This variant is not present in population databases (gnomAD no frequency). This variant has not been reported in the literature in individuals affected with COL27A1-related conditions. Advanced modeling of protein sequence and biophysical properties (such as structural, functional, and spatial information, amino acid conservation, physicochemical variation, residue mobility, and thermodynamic stability) performed at Invitae indicates that this missense variant is not expected to disrupt COL27A1 protein function. In summary, the available evidence is currently insufficient to determine the role of this variant in disease. Therefore, it has been classified as a Variant of Uncertain Significance.

NM_032888.4(COL27A1):c.775A>G (p.Thr259Ala)

Gene: COL27A1 (collagen type XXVII alpha 1 chain; plus strand). Cytogenetic location: 9q32.
Variant type: single nucleotide variant.
Coding change: c.775A>G on transcript NM_032888.4 (MANE Select); coding-DNA position 775, A replaced by G.
Protein change: p.Thr259Ala; replaces threonine 259 with alanine.
Molecular consequence: missense variant.
Genome position (GRCh38, 1-based): chr9:114,168,330, A>G. VCF-style: chr9-114168330-A-G. GRCh37 (hg19) VCF-style: chr9-116930610-A-G.
Other names: c.775A>G (NM_032888.2); short protein forms T259A.
Identifiers: ClinVar variation 1983326 (VCV001983326.2), dbSNP rs749690330, ClinGen allele CA5201227.